The following is an entry in ClinVar:

NM_005732.4(RAD50):c.3335G>A (p.Arg1112Lys)

Gene: RAD50 (RAD50 double strand break repair protein; plus strand). Cytogenetic location: 5q31.1.
Variant type: single nucleotide variant.
Coding change: c.3335G>A on transcript NM_005732.4 (MANE Select); coding-DNA position 3335, G replaced by A.
Protein change: p.Arg1112Lys; replaces arginine 1112 with lysine.
Molecular consequence: missense variant.
Genome position (GRCh38, 1-based): chr5:132,618,240, G>A. VCF-style: chr5-132618240-G-A. GRCh37 (hg19) VCF-style: chr5-131953932-G-A.
Other names: short protein forms R1112K.
Identifiers: ClinVar variation 823622 (VCV000823622.10), dbSNP rs1581009547, ClinGen allele CA360964911.

ClinVar aggregate classification (germline): Uncertain significance. Review status: criteria provided, multiple submitters, no conflicts (2 of 4 stars). 2 submissions from 2 submitters: Uncertain significance (2). Last evaluated 2025-10-27.

Conditions:
Hereditary cancer-predisposing syndrome. Also called: Neoplastic Syndromes, Hereditary; Tumor predisposition; Hereditary neoplastic syndrome; Hereditary Cancer Syndrome. Identifiers: Orphanet 140162, MedGen C0027672, MeSH D009386, MONDO:0015356.

Submissions (2):

Ambry Genetics
Classification: Uncertain significance for Hereditary cancer-predisposing syndrome. Last evaluated: 2025-10-27. Review status: criteria provided, single submitter. Criteria: Ambry Variant Classification Scheme 2023. Collection method: clinical testing. Allele origin: germline.
Comment: The p.R1112K variant (also known as c.3335G>A), located in coding exon 21 of the RAD50 gene, results from a G to A substitution at nucleotide position 3335. The arginine at codon 1112 is replaced by lysine, an amino acid with highly similar properties. This amino acid position is highly conserved in available vertebrate species. In addition, the in silico prediction for this alteration is inconclusive. Since supporting evidence is limited at this time, the clinical significance of this alteration remains unclear.

Labcorp Genetics (formerly Invitae), Labcorp
Classification: Uncertain significance for Hereditary cancer-predisposing syndrome. Last evaluated: 2022-07-19. Review status: criteria provided, single submitter. Criteria: Invitae Variant Classification Sherloc (09022015). Collection method: clinical testing. Allele origin: germline.
Comment: In summary, the available evidence is currently insufficient to determine the role of this variant in disease. Therefore, it has been classified as a Variant of Uncertain Significance. Algorithms developed to predict the effect of missense changes on protein structure and function (SIFT, PolyPhen-2, Align-GVGD) all suggest that this variant is likely to be tolerated. ClinVar contains an entry for this variant (Variation ID: 823622). This variant has not been reported in the literature in individuals affected with RAD50-related conditions. This variant is not present in population databases (gnomAD no frequency). This sequence change replaces arginine, which is basic and polar, with lysine, which is basic and polar, at codon 1112 of the RAD50 protein (p.Arg1112Lys).